The following is an entry in ClinVar:

NM_138409.4(MRAP2):c.228-1854C>G

Gene: MRAP2 (melanocortin 2 receptor accessory protein 2; plus strand). Cytogenetic location: 6q14.2.
Variant type: single nucleotide variant.
Coding change: c.228-1854C>G on transcript NM_138409.4 (MANE Select); 1854 bases into the intron before coding-DNA position 228, C replaced by G.
Molecular consequence: intron variant. On other transcripts: synonymous variant (1).
Genome position (GRCh38, 1-based): chr6:84,087,237, C>G. VCF-style: chr6-84087237-C-G. GRCh37 (hg19) VCF-style: chr6-84796956-C-G.
Other names: c.18C>G, p.Val6= (NM_001346543.2); c.228-1854C>G (NM_001346542.2, NM_001346544.2); c.-31-1854C>G (NM_001346541.2).
Identifiers: ClinVar variation 4993889 (VCV004993889.1).

ClinVar aggregate classification (germline): Likely benign (1 of 4 stars; one submission).

Conditions:
MRAP2-related disorder. Also called: MRAP2-related condition.

Submission:

PreventionGenetics, part of Exact Sciences
Classification: Likely benign for MRAP2-related condition. Last evaluated: 2025-09-30. Review status: criteria provided, single submitter. Criteria: ACMG Guidelines, 2015. Collection method: clinical testing. Allele origin: germline.
Comment: This variant is classified as likely benign based on ACMG/AMP sequence variant interpretation guidelines (Richards et al. 2015 PMID: 25741868, with internal and published modifications).